The following is an entry in ClinVar:

NM_145199.3(LIPT1):c.713A>G (p.Tyr238Cys)

Genes: LIPT1 (lipoyltransferase 1; plus strand), MITD1 (microtubule interacting and trafficking domain containing 1; minus strand). Cytogenetic location: 2q11.2.
Variant type: single nucleotide variant.
Coding change: c.713A>G on transcript NM_145199.3 (MANE Select); coding-DNA position 713, A replaced by G.
Protein change: p.Tyr238Cys; replaces tyrosine 238 with cysteine.
Molecular consequence: missense variant. On other transcripts: non-coding transcript variant (2).
Genome position (GRCh38, 1-based): chr2:99,162,670, A>G. VCF-style: chr2-99162670-A-G. GRCh37 (hg19) VCF-style: chr2-99779133-A-G.
Other names: c.713A>G, p.Tyr238Cys (NM_001204830.2, NM_015929.4, NM_145197.3 and 1 more transcripts); short protein forms Y238C.
Identifiers: ClinVar variation 585037 (VCV000585037.4), dbSNP rs187886723, ClinGen allele CA1797365.

ClinVar aggregate classification (germline): Uncertain significance. Review status: criteria provided, multiple submitters, no conflicts (2 of 4 stars). 2 submissions from 2 submitters: Uncertain significance (2). Last evaluated 2024-09-23.

Conditions:
Inborn genetic diseases. Identifiers: MedGen C0950123, MeSH D030342.

Allele frequency attached by ClinVar (database versions not stated): gnomAD 0.00002 and 0.00005; TOPMed 0.00002; gnomAD exomes 0.00008 and 0.00009; ExAC 0.00012; 1000 Genomes Project 30x 0.00016; 1000 Genomes Project 0.00020.
gnomAD v4.1: 141 of 1,614,166 alleles (0.0087%); highest among the groups gnomAD compares: East Asian, 0.29%; no homozygotes.

Submissions (2):

Labcorp Genetics (formerly Invitae), Labcorp
Classification: Uncertain significance. Last evaluated: 2024-09-23. Review status: criteria provided, single submitter. Criteria: Invitae Variant Classification Sherloc (09022015). Collection method: clinical testing. Allele origin: germline.
Comment: This sequence change replaces tyrosine, which is neutral and polar, with cysteine, which is neutral and slightly polar, at codon 238 of the LIPT1 protein (p.Tyr238Cys). The frequency data for this variant in the population databases is considered unreliable, as metrics indicate poor data quality at this position in the gnomAD database. This variant has not been reported in the literature in individuals affected with LIPT1-related conditions. ClinVar contains an entry for this variant (Variation ID: 585037). Invitae Evidence Modeling of protein sequence and biophysical properties (such as structural, functional, and spatial information, amino acid conservation, physicochemical variation, residue mobility, and thermodynamic stability) indicates that this missense variant is not expected to disrupt LIPT1 protein function with a negative predictive value of 80%. In summary, the available evidence is currently insufficient to determine the role of this variant in disease. Therefore, it has been classified as a Variant of Uncertain Significance.

Ambry Genetics
Classification: Uncertain significance for Inborn genetic diseases. Last evaluated: 2024-04-16. Review status: criteria provided, single submitter. Criteria: Ambry Variant Classification Scheme 2023. Collection method: clinical testing. Allele origin: germline.